The following is an entry in ClinVar:

ClinVar aggregate classification (germline): Uncertain significance (1 of 4 stars; one submission).

Conditions:
Inborn genetic diseases. Identifiers: MedGen C0950123, MeSH D030342.

Submission:

Ambry Genetics
Classification: Uncertain significance for Inborn genetic diseases. Last evaluated: 2022-01-19. Review status: criteria provided, single submitter. Criteria: Ambry Variant Classification Scheme 2023. Collection method: clinical testing. Allele origin: germline.
Comment: The c.262-6T>G intronic alteration consists of a T to G substitution 6 nucleotides before exon 4 of the EIF2S3 gene. Based on insufficient or conflicting evidence, the clinical significance of this alteration remains unclear.

NM_001415.4(EIF2S3):c.262-6T>G

Gene: EIF2S3 (eukaryotic translation initiation factor 2 subunit gamma; plus strand). Cytogenetic location: Xp22.11.
Variant type: single nucleotide variant.
Coding change: c.262-6T>G on transcript NM_001415.4 (MANE Select); 6 bases into the intron before coding-DNA position 262, T replaced by G.
Molecular consequence: intron variant.
Genome position (GRCh38, 1-based): chrX:24,057,627, T>G. VCF-style: chrX-24057627-T-G. GRCh37 (hg19) VCF-style: chrX-24075744-T-G.
Identifiers: ClinVar variation 2264047 (VCV002264047.2), dbSNP rs2518572385, ClinGen allele CA2580100504.
Genomic context (GRCh38, chrX:24,057,627, plus strand): 5'-AACGAGAAACTAACTTTAATTGTTGTGCAGATAACAAATCAAAATCTTTTTTTATTGAAA[T>G]TTTAGATTTATAAGCTTGATGACCCAAGTTGCCCTCGGCCAGAATGTTATAGATCTTGTG-3'